The following is an entry in ClinVar:

NM_006922.4(SCN3A):c.5741_5743delinsTTT (p.Tyr1914_Leu1915delinsPhePhe)

Gene: SCN3A (sodium voltage-gated channel alpha subunit 3; minus strand). Cytogenetic location: 2q24.3.
Variant type: Indel.
Coding change: c.5741_5743delinsTTT on transcript NM_006922.4 (MANE Select); coding-DNA positions 5741 to 5743, ATC replaced by TTT.
Protein change: p.Tyr1914_Leu1915delinsPhePhe.
Molecular consequence: missense variant.
Genome position (GRCh38, 1-based): chr2:165,090,410-165,090,412, GAT replaced by AAA on the plus strand (ATC replaced by TTT on the coding strand, the reverse complement: SCN3A is on the minus strand). VCF-style: chr2-165090410-GAT-AAA. GRCh37 (hg19) VCF-style: chr2-165946920-GAT-AAA.
Other names: c.5594_5596delinsTTT, p.Tyr1865_Leu1866delinsPhePhe (NM_001081676.2, NM_001081677.2).
Identifiers: ClinVar variation 2571091 (VCV002571091.19), dbSNP rs2468036888, ClinGen allele CA2580614375.

ClinVar aggregate classification (germline): Uncertain significance (1 of 4 stars; one submission).

Submission:

CeGaT Center for Human Genetics Tuebingen
Classification: Uncertain significance. Last evaluated: 2023-06-01. Review status: criteria provided, single submitter. Criteria: CeGaT Center For Human Genetics Tuebingen Variant Classification Criteria Version 2. Collection method: clinical testing. Allele origin: germline. Affected: yes. Observed: 2 variant alleles.
Comment: SCN3A: PM2